The following is an entry in ClinVar:

NM_138704.4(NSMCE3):c.455dup (p.Tyr152Ter)

Genes: ENTREP2 (endosomal transmembrane epsin interactor 2; minus strand), NSMCE3 (NSE3 homolog, SMC5-SMC6 complex component; minus strand). Cytogenetic location: 15q13.1.
Variant type: Duplication.
Coding change: c.455dup on transcript NM_138704.4 (MANE Select); coding-DNA position 455, one base duplicated (A; older notation c.455dupA).
Protein change: p.Tyr152Ter; replaces tyrosine 152 with a stop codon.
Molecular consequence: nonsense. On other transcripts: intron variant (5).
Genome position (GRCh38, 1-based): chr15:29,269,251, T duplicated on the plus strand (A on the coding strand, the reverse complement: NSMCE3 is on the minus strand). VCF-style (leftmost placement, unchanged base first): chr15-29269250-G-GT. GRCh37 (hg19) VCF-style: chr15-29561454-G-GT.
Other names: c.-12-16773dup (NM_001387217.1, NM_001387215.1, NM_001387216.1); c.277-16773dup (NM_001387214.1, NM_015307.2); short protein forms Y152*.
Identifiers: ClinVar variation 1448215 (VCV001448215.5), dbSNP rs755713372, ClinGen allele CA7446132.

ClinVar aggregate classification (germline): Uncertain significance (1 of 4 stars; one submission).

Allele frequency attached by ClinVar (database versions not stated): gnomAD exomes 0.00001 and 0.00002; ExAC 0.00002; gnomAD 0.00002 and 0.00003; TOPMed 0.00002.

Submission:

Labcorp Genetics (formerly Invitae), Labcorp
Classification: Uncertain significance. Last evaluated: 2021-08-26. Review status: criteria provided, single submitter. Criteria: Invitae Variant Classification Sherloc (09022015). Collection method: clinical testing. Allele origin: germline.
Comment: This sequence change creates a premature translational stop signal (p.Tyr152*) in the NSMCE3 gene. While this is not anticipated to result in nonsense mediated decay, it is expected to disrupt the last 153 amino acid(s) of the NSMCE3 protein. This variant is present in population databases (rs755713372, ExAC 0.003%). This variant has not been reported in the literature in individuals affected with NSMCE3-related conditions. Experimental studies and prediction algorithms are not available or were not evaluated, and the functional significance of this variant is currently unknown. This variant disrupts the p.Leu264 amino acid residue in NSMCE3. Other variant(s) that disrupt this residue have been determined to be pathogenic (PMID: 27427983). This suggests that this residue is clinically significant, and that variants that disrupt this residue are likely to be disease-causing. In summary, the available evidence is currently insufficient to determine the role of this variant in disease. Therefore, it has been classified as a Variant of Uncertain Significance.

Literature cited by the submitters: PubMed 27427983.